The following is an entry in ClinVar:

NM_001378778.1(MPDZ):c.6112A>G (p.Ile2038Val)

Gene: MPDZ (multiple PDZ domain crumbs cell polarity complex component; minus strand). Cytogenetic location: 9p23.
Variant type: single nucleotide variant.
Coding change: c.6112A>G on transcript NM_001378778.1 (MANE Select); coding-DNA position 6112, A replaced by G.
Protein change: p.Ile2038Val; replaces isoleucine 2038 with valine.
Molecular consequence: missense variant.
Genome position (GRCh38, 1-based): chr9:13,107,066, T>C on the plus strand (A>G on the coding strand, the complement: MPDZ is on the minus strand). VCF-style: chr9-13107066-T-C. GRCh37 (hg19) VCF-style: chr9-13107065-T-C.
Other names: c.6025A>G (NM_003829.4); c.6013A>G, p.Ile2005Val (NM_001261406.2, NM_001375416.1, NM_001375417.1 and 1 more transcripts); c.5926A>G, p.Ile1976Val (NM_001261407.2, NM_001375419.1); c.6112A>G, p.Ile2038Val (NM_001330637.2); c.5902A>G, p.Ile1968Val (NM_001375424.1, NM_001375420.1, NM_001375421.1 and 2 more transcripts); c.5815A>G, p.Ile1939Val (NM_001375425.1, NM_001375426.1); c.5704A>G, p.Ile1902Val (NM_001375427.1); c.6025A>G, p.Ile2009Val (NM_003829.5); and 1 more; short protein forms I2005V, I1939V, I1968V, I2038V, I1976V, I2009V, I1902V, I2071V.
Identifiers: ClinVar variation 1977867 (VCV001977867.6), dbSNP rs369284040, ClinGen allele CA4985948.

ClinVar aggregate classification (germline): Uncertain significance. Review status: criteria provided, multiple submitters, no conflicts (2 of 4 stars). 2 submissions from 2 submitters: Uncertain significance (2). Last evaluated 2023-05-03.

Conditions:
MPDZ-related disorder. Also called: MPDZ-related condition.

Allele frequency attached by ClinVar (database versions not stated): gnomAD exomes below 0.00001; ExAC 0.00002; gnomAD 0.00003; TOPMed 0.00003; ESP Exome Variant Server 0.00008.
gnomAD v4.1: 6 of 1,602,230 alleles (0.00037%); highest among the groups gnomAD compares: African/African-American, 0.008%; no homozygotes.

Submissions (2):

PreventionGenetics, part of Exact Sciences
Classification: Uncertain significance for MPDZ-related condition. Last evaluated: 2023-05-03. Review status: criteria provided, single submitter. Criteria: ACMG Guidelines, 2015. Collection method: clinical testing. Allele origin: germline.
Comment: The MPDZ c.6025A>G variant is predicted to result in the amino acid substitution p.Ile2009Val. To our knowledge, this variant has not been reported in the literature. This variant is reported in 0.019% of alleles in individuals of African descent in gnomAD. At this time, the clinical significance of this variant is uncertain due to the absence of conclusive functional and genetic evidence.

Labcorp Genetics (formerly Invitae), Labcorp
Classification: Uncertain significance. Last evaluated: 2022-10-24. Review status: criteria provided, single submitter. Criteria: Invitae Variant Classification Sherloc (09022015). Collection method: clinical testing. Allele origin: germline.
Comment: In summary, the available evidence is currently insufficient to determine the role of this variant in disease. Therefore, it has been classified as a Variant of Uncertain Significance. Algorithms developed to predict the effect of missense changes on protein structure and function are either unavailable or do not agree on the potential impact of this missense change (SIFT: "Deleterious"; PolyPhen-2: "Possibly Damaging"; Align-GVGD: "Class C0"). This variant has not been reported in the literature in individuals affected with MPDZ-related conditions. This variant is present in population databases (rs369284040, gnomAD 0.02%). This sequence change replaces isoleucine, which is neutral and non-polar, with valine, which is neutral and non-polar, at codon 2009 of the MPDZ protein (p.Ile2009Val).